The following is an entry in ClinVar:

ClinVar aggregate classification (germline): Uncertain significance (1 of 4 stars; one submission).

Conditions:
Hereditary cancer-predisposing syndrome. Also called: Neoplastic Syndromes, Hereditary; Tumor predisposition; Hereditary neoplastic syndrome; Hereditary Cancer Syndrome. Identifiers: Orphanet 140162, MedGen C0027672, MeSH D009386, MONDO:0015356.

Submission:

Ambry Genetics
Classification: Uncertain significance for Hereditary cancer-predisposing syndrome. Last evaluated: 2026-07-06. Review status: criteria provided, single submitter. Criteria: Ambry Variant Classification Scheme 2023. Collection method: clinical testing. Allele origin: germline.
Comment: The p.A229D variant (also known as c.686C>A), located in coding exon 6 of the SUFU gene, results from a C to A substitution at nucleotide position 686. The alanine at codon 229 is replaced by aspartic acid, an amino acid with dissimilar properties. This amino acid position is conserved. In addition, this alteration is predicted to be deleterious by in silico analysis. Based on the available evidence, the clinical significance of this variant remains unclear.

NM_016169.4(SUFU):c.686C>A (p.Ala229Asp)

Gene: SUFU (SUFU negative regulator of hedgehog signaling; plus strand). Cytogenetic location: 10q24.32.
Variant type: single nucleotide variant.
Coding change: c.686C>A on transcript NM_016169.4 (MANE Select); coding-DNA position 686, C replaced by A.
Protein change: p.Ala229Asp; replaces alanine 229 with aspartic acid.
Molecular consequence: missense variant.
Genome position (GRCh38, 1-based): chr10:102,593,995, C>A. VCF-style: chr10-102593995-C-A. GRCh37 (hg19) VCF-style: chr10-104353752-C-A.
Other names: c.686C>A, p.Ala229Asp (NM_001178133.2); short protein forms A229D.
Identifiers: ClinVar variation 5030382 (VCV005030382.1).